The following is an entry in ClinVar:

NM_000036.3(AMPD1):c.-33T>C

Gene: AMPD1 (adenosine monophosphate deaminase 1; minus strand). Cytogenetic location: 1p13.2.
Variant type: single nucleotide variant.
Coding change: c.-33T>C on transcript NM_000036.3 (MANE Select); 33 bases upstream of the start codon, T replaced by C.
Molecular consequence: 5 prime UTR variant.
Genome position (GRCh38, 1-based): chr1:114,695,504, A>G on the plus strand (T>C on the coding strand, the complement: AMPD1 is on the minus strand). VCF-style: chr1-114695504-A-G. GRCh37 (hg19) VCF-style: chr1-115238125-A-G.
Other names: c.-33T>C (NM_001172626.2).
Identifiers: ClinVar variation 1469046 (VCV001469046.3), dbSNP rs747318529, ClinGen allele CA1020649.

ClinVar aggregate classification (germline): Uncertain significance (1 of 4 stars; one submission).

Conditions:
Muscle AMP deaminase deficiency (MMDD). Also called: Myoadenylate deaminase deficiency, myopathy due to; Adenosine monophosphate deaminase 1 deficiency; AMP deaminase 1 deficiency; Adenosine Monophosphate Deaminase 1; ADENOSINE MONOPHOSPHATE DEAMINASE-1 DEFICIENCY, MYOPATHY DUE TO; AMPD1 DEFICIENCY. Identifiers: Orphanet 45, MedGen C3714933, MONDO:0014220, OMIM 615511.

Allele frequency attached by ClinVar (database versions not stated): TOPMed 0.00002; ExAC 0.00003; gnomAD 0.00003 and 0.00004; gnomAD exomes 0.00004.
gnomAD v4.1: 79 of 1,614,030 alleles (0.0049%); highest among the groups gnomAD compares: Non-Finnish European, 0.0053%; no homozygotes.

Submission:

Labcorp Genetics (formerly Invitae), Labcorp
Classification: Uncertain significance for Muscle AMP deaminase deficiency. Last evaluated: 2022-05-17. Review status: criteria provided, single submitter. Criteria: Invitae Variant Classification Sherloc (09022015). Collection method: clinical testing. Allele origin: germline.
Comment: This sequence change replaces cysteine, which is neutral and slightly polar, with arginine, which is basic and polar, at codon 23 of the AMPD1 protein (p.Cys23Arg). This variant is present in population databases (rs747318529, gnomAD 0.01%). This variant has not been reported in the literature in individuals affected with AMPD1-related conditions. Algorithms developed to predict the effect of missense changes on protein structure and function (SIFT, PolyPhen-2, Align-GVGD) all suggest that this variant is likely to be tolerated. In summary, the available evidence is currently insufficient to determine the role of this variant in disease. Therefore, it has been classified as a Variant of Uncertain Significance.